The following is an entry in ClinVar:

NM_001318510.2(ACSL4):c.1502C>A (p.Ser501Tyr)

Gene: ACSL4 (acyl-CoA synthetase long chain family member 4; minus strand). Cytogenetic location: Xq23.
Variant type: single nucleotide variant.
Coding change: c.1502C>A on transcript NM_001318510.2 (MANE Select); coding-DNA position 1502, C replaced by A.
Protein change: p.Ser501Tyr; replaces serine 501 with tyrosine.
Molecular consequence: missense variant.
Genome position (GRCh38, 1-based): chrX:109,663,291, G>T on the plus strand (C>A on the coding strand, the complement: ACSL4 is on the minus strand). VCF-style: chrX-109663291-G-T. GRCh37 (hg19) VCF-style: chrX-108906520-G-T.
Other names: c.1625C>A, p.Ser542Tyr (NM_001318509.2, NM_022977.3); c.1502C>A, p.Ser501Tyr (NM_004458.3); c.1502C>A (NM_004458.2); c.1625C>A (NM_022977.2); short protein forms S501Y, S542Y.
Identifiers: ClinVar variation 1325550 (VCV001325550.3), dbSNP rs766630384, ClinGen allele CA10491002.

ClinVar aggregate classification (germline): Uncertain significance. Review status: criteria provided, multiple submitters, no conflicts (2 of 4 stars). 3 submissions from 3 submitters: Uncertain significance (3). Last evaluated 2024-06-10.

Conditions:
Intellectual developmental disorder, X-linked 63. Also called: Intellectual disability, X-linked 63; MENTAL RETARDATION, X-LINKED 68. Identifiers: Orphanet 777, MedGen C1845672, MONDO:0010313, OMIM 300387.
ACSL4-related disorder. Also called: ACSL4-related condition.
Inborn genetic diseases. Identifiers: MedGen C0950123, MeSH D030342.

Allele frequency attached by ClinVar (database versions not stated): ExAC 0.00001; gnomAD 0.00001; TOPMed 0.00001; gnomAD exomes 0.00001.
gnomAD v4.1: 6 of 1,207,388 alleles (0.0005%); highest among the groups gnomAD compares: African/African-American, 0.0017%; no homozygotes.

Submissions (3):

Ambry Genetics
Classification: Uncertain significance for Inborn genetic diseases. Last evaluated: 2024-06-10. Review status: criteria provided, single submitter. Criteria: Ambry Variant Classification Scheme 2023. Collection method: clinical testing. Allele origin: germline.

PreventionGenetics, part of Exact Sciences
Classification: Uncertain significance for ACSL4-related condition. Last evaluated: 2022-11-09. Review status: criteria provided, single submitter. Criteria: ACMG Guidelines, 2015. Collection method: clinical testing. Allele origin: germline.
Comment: The ACSL4 c.1625C>A variant is predicted to result in the amino acid substitution p.Ser542Tyr. To our knowledge, this variant has not been reported in the literature. This variant is reported in 0.0076% of alleles in individuals of African descent in gnomAD. At this time, the clinical significance of this variant is uncertain due to the absence of conclusive functional and genetic evidence.

New York Genome Center
Classification: Uncertain significance for Intellectual developmental disorder, X-linked 63. Last evaluated: 2020-07-03. Review status: criteria provided, single submitter. Criteria: NYGC Assertion Criteria 2020. Collection method: clinical testing. Allele origin: germline. Observed: 1 heterozygote. Study: CSER-NYCKidSeq.
Comment: The c.1502C>A (p.Ser501Tyr) variant in exon 13 of 16 of ACSL4 has not been reported in affected individuals in the available literature. This variant ispresent in gnomADat a very low frequency (1/182413, allele frequency=0.000005482, no hemizygotes), suggesting it is not a common benign variant in the populations represented in this database.In silico predictors suggest this variant is Neutral (Provean; score: 1.51) and Tolerated (SIFT; score: 1). Given the current evidences regarding its pathogenicity, the c.1502C>A (p.Ser501Tyr) variant identified in the ACSL4 gene is reported as a Variant of Uncertain Significance.